The following is an entry in ClinVar:

NM_001368882.1(COL13A1):c.859-4A>C

Gene: COL13A1 (collagen type XIII alpha 1 chain; plus strand). Cytogenetic location: 10q22.1.
Variant type: single nucleotide variant.
Coding change: c.859-4A>C on transcript NM_001368882.1 (MANE Select); 4 bases into the intron before coding-DNA position 859, A replaced by C.
Molecular consequence: intron variant.
Genome position (GRCh38, 1-based): chr10:69,904,929, A>C. VCF-style: chr10-69904929-A-C. GRCh37 (hg19) VCF-style: chr10-71664685-A-C.
Other names: c.832-4A>C (NM_080800.4); c.259-4A>C (NM_001368886.1); c.823-4A>C (NM_001368883.1, NM_001368885.1, NM_080801.4 and 1 more transcripts); c.736-4A>C (NM_080805.4); c.745-4A>C (NM_001368897.1); c.769-4A>C (NM_001368895.1); c.718-4A>C (NM_001368898.1, NM_080798.4, NM_001368896.1); c.859-4A>C (NM_001320951.2, NM_001368884.1); and 1 more.
Identifiers: ClinVar variation 4982001 (VCV004982001.1).
Genomic context (GRCh38, chr10:69,904,929, plus strand): 5'-CTAGCCCCAACCAGCTCTACTCACCTTTTCTTTTTTCTTTTTTTTTTTTTTTTTGCTTCC[A>C]CAGGGCTTACCTGGGCCTCCTGGACCAAAGGTGAGTGTCCTTCTGGGTGATGTGTTGAAC-3'

ClinVar aggregate classification (germline): Likely benign (1 of 4 stars; one submission).

Conditions:
COL13A1-related disorder. Also called: COL13A1-related condition.

Submission:

PreventionGenetics, part of Exact Sciences
Classification: Likely benign for COL13A1-related condition. Last evaluated: 2024-10-07. Review status: criteria provided, single submitter. Criteria: ACMG Guidelines, 2015. Collection method: clinical testing. Allele origin: germline.
Comment: This variant is classified as likely benign based on ACMG/AMP sequence variant interpretation guidelines (Richards et al. 2015 PMID: 25741868, with internal and published modifications).